The following is an entry in ClinVar:

ClinVar aggregate classification (germline): Benign/Likely benign. Review status: criteria provided, multiple submitters, no conflicts (2 of 4 stars). 4 submissions from 4 submitters: Benign (1); Likely benign (3). Last evaluated 2025-06-10.

Conditions:
Chuvash polycythemia. Also called: POLYCYTHEMIA, VHL-DEPENDENT. Identifiers: Orphanet 238557, MedGen C1837915, MONDO:0009892, OMIM 263400.
Von Hippel-Lindau syndrome (VHLS). Also called: VHL syndrome; Von Hippel-Lindau; von Hippel–Lindau syndrome. Identifiers: Orphanet 892, MedGen C0019562, MONDO:0008667, OMIM 193300. Disease mechanism: loss of function.
Pheochromocytoma. Also called: MAX-Related Hereditary Paraganglioma-Pheochromocytoma Syndrome. Identifiers: Orphanet 29072, MedGen C0031511, MONDO:0008233, OMIM 171300, HP:0002666.
Nonpapillary renal cell carcinoma. Identifiers: Orphanet 422526, MedGen CN074294, MONDO:0007763, OMIM 144700.
Hereditary cancer-predisposing syndrome. Also called: Tumor predisposition; Hereditary neoplastic syndrome; Hereditary Cancer Syndrome; Neoplastic Syndromes, Hereditary. Identifiers: Orphanet 140162, MedGen C0027672, MeSH D009386, MONDO:0015356.

Allele frequency attached by ClinVar (database versions not stated): ExAC 0.00002; gnomAD exomes 0.00002.
gnomAD v4.1: 12 of 1,602,316 alleles (0.00075%); highest among the groups gnomAD compares: Admixed American, 0.01%; no homozygotes.

Submissions (4):

Myriad Genetics, Inc.
Classification: Benign for Von Hippel-Lindau syndrome. Last evaluated: 2025-06-10. Review status: criteria provided, single submitter. Criteria: Myriad Autosomal Dominant, Autosomal Recessive and X-Linked Classification Criteria (2023). Collection method: clinical testing. Allele origin: unknown.
Comment: This variant is considered benign. This variant is a silent/synonymous amino acid change and it is not expected to impact splicing.

Labcorp Genetics (formerly Invitae), Labcorp
Classification: Likely benign for Von Hippel-Lindau syndrome; Chuvash polycythemia. Last evaluated: 2025-06-04. Review status: criteria provided, single submitter. Criteria: Invitae Variant Classification Sherloc (09022015). Collection method: clinical testing. Allele origin: germline.

Ambry Genetics
Classification: Likely benign for Hereditary cancer-predisposing syndrome. Last evaluated: 2022-07-11. Review status: criteria provided, single submitter. Criteria: Ambry Variant Classification Scheme 2023. Collection method: clinical testing. Allele origin: germline.

Fulgent Genetics
Classification: Likely benign for Nonpapillary renal cell carcinoma; Pheochromocytoma; Von Hippel-Lindau syndrome; Chuvash polycythemia. Last evaluated: 2021-08-17. Review status: criteria provided, single submitter. Criteria: ACMG Guidelines, 2015. Collection method: clinical testing. Allele origin: unknown.

NM_000551.4(VHL):c.267C>A (p.Leu89=)

Gene: VHL (von Hippel-Lindau tumor suppressor; plus strand). Cytogenetic location: 3p25.3.
Variant type: single nucleotide variant.
Coding change: c.267C>A on transcript NM_000551.4 (MANE Select); coding-DNA position 267, C replaced by A.
Protein change: p.Leu89=; no amino-acid change (leucine 89 retained).
Molecular consequence: synonymous variant.
Genome position (GRCh38, 1-based): chr3:10,142,114, C>A. VCF-style: chr3-10142114-C-A. GRCh37 (hg19) VCF-style: chr3-10183798-C-A.
Other names: c.267C>A, p.Leu89= (NM_001354723.2, NM_198156.3).
Identifiers: ClinVar variation 699849 (VCV000699849.15), dbSNP rs755794553, ClinGen allele CA040097.